The following is an entry in ClinVar:

ClinVar aggregate classification (germline): Benign (1 of 4 stars; one submission).

Conditions:
Breast-ovarian cancer, familial, susceptibility to, 3. Also called: RAD51C-Related Breast/Ovarian Cancer. Identifiers: Orphanet 145, MedGen C3150659, MONDO:0013253, OMIM 613399.

gnomAD v4.1: 1 of 1,614,222 alleles (0.000062%); highest among the groups gnomAD compares: South Asian, 0.0011%; no homozygotes.

Submission:

Myriad Genetics, Inc.
Classification: Benign for Breast-ovarian cancer, familial, susceptibility to, 3. Last evaluated: 2025-02-14. Review status: criteria provided, single submitter. Criteria: Myriad Autosomal Dominant, Autosomal Recessive and X-Linked Classification Criteria (2023). Collection method: clinical testing. Allele origin: unknown.
Comment: This variant is considered benign. This variant is a silent/synonymous amino acid change and it is not expected to impact splicing.

NM_058216.3(RAD51C):c.60T>G (p.Ser20=)

Gene: RAD51C (RAD51 paralog C; plus strand). Cytogenetic location: 17q22.
Variant type: single nucleotide variant.
Coding change: c.60T>G on transcript NM_058216.3 (MANE Select); coding-DNA position 60, T replaced by G.
Protein change: p.Ser20=; no amino-acid change (serine 20 retained).
Molecular consequence: synonymous variant. On other transcripts: non-coding transcript variant (1).
Genome position (GRCh38, 1-based): chr17:58,692,703, T>G. VCF-style: chr17-58692703-T-G. GRCh37 (hg19) VCF-style: chr17-56770064-T-G.
Other names: c.60T>G, p.Ser20= (NM_002876.4).
Identifiers: ClinVar variation 3903777 (VCV003903777.1).